The following is an entry in ClinVar:

ClinVar aggregate classification (germline): Uncertain significance. Review status: criteria provided, single submitter (1 of 4 stars). 3 submissions from 3 submitters: Uncertain significance (1). 2 of the submissions do not count toward it. Last evaluated 2022-11-01.

Conditions:
Retinitis pigmentosa 25 (RP25). Identifiers: Orphanet 791, MedGen C1864446, MONDO:0011272, OMIM 602772.
Retinal dystrophy. Also called: Inherited retinal dystrophy. Identifiers: Orphanet 71862, MedGen C0854723, MeSH D058499, MONDO:0019118, HP:0000556.

Allele frequency attached by ClinVar (database versions not stated): gnomAD exomes 0.00001; ExAC 0.00005.
gnomAD v4.1: 15 of 1,551,352 alleles (0.00097%); highest among the groups gnomAD compares: South Asian, 0.018%; no homozygotes.

Submissions (3):

Labcorp Genetics (formerly Invitae), Labcorp
Classification: Uncertain significance. Last evaluated: 2022-11-01. Review status: criteria provided, single submitter. Criteria: Invitae Variant Classification Sherloc (09022015). Collection method: clinical testing. Allele origin: germline.
Comment: This sequence change replaces isoleucine, which is neutral and non-polar, with methionine, which is neutral and non-polar, at codon 1501 of the EYS protein (p.Ile1501Met). This variant is present in population databases (rs765829827, gnomAD 0.009%). This variant has not been reported in the literature in individuals affected with EYS-related conditions. ClinVar contains an entry for this variant (Variation ID: 939241). Advanced modeling of protein sequence and biophysical properties (such as structural, functional, and spatial information, amino acid conservation, physicochemical variation, residue mobility, and thermodynamic stability) has been performed at Invitae for this missense variant, however the output from this modeling did not meet the statistical confidence thresholds required to predict the impact of this variant on EYS protein function. In summary, the available evidence is currently insufficient to determine the role of this variant in disease. Therefore, it has been classified as a Variant of Uncertain Significance.

Institute of Human Genetics, Univ. Regensburg, Univ. Regensburg
Classification: Uncertain significance for Retinal dystrophy. Last evaluated: 2022-01-01. Review status: no assertion criteria provided. Criteria: ACMG Guidelines, 2015. Collection method: clinical testing. Allele origin: germline. Affected: yes. Not counted in ClinVar's aggregate classification.

Natera, Inc.
Classification: Uncertain significance for Retinitis pigmentosa type 25. Last evaluated: 2021-01-22. Review status: no assertion criteria provided. Collection method: clinical testing. Allele origin: germline. Not counted in ClinVar's aggregate classification.

NM_001142800.2(EYS):c.4503A>G (p.Ile1501Met)

Gene: EYS (eyes shut homolog; minus strand). Cytogenetic location: 6q12.
Variant type: single nucleotide variant.
Coding change: c.4503A>G on transcript NM_001142800.2 (MANE Select); coding-DNA position 4503, A replaced by G.
Protein change: p.Ile1501Met; replaces isoleucine 1501 with methionine.
Molecular consequence: missense variant.
Genome position (GRCh38, 1-based): chr6:64,591,364, T>C on the plus strand (A>G on the coding strand, the complement: EYS is on the minus strand). VCF-style: chr6-64591364-T-C. GRCh37 (hg19) VCF-style: chr6-65301257-T-C.
Other names: c.4503A>G, p.Ile1501Met (NM_001292009.2); short protein forms I1501M.
Identifiers: ClinVar variation 939241 (VCV000939241.5), dbSNP rs765829827, ClinGen allele CA3877075.